The following is an entry in ClinVar:

ClinVar aggregate classification (germline): Uncertain significance. Review status: criteria provided, single submitter (1 of 4 stars). 2 submissions from 2 submitters: Uncertain significance (1). 1 of the submissions does not count toward it. Last evaluated 2013-06-28.

Conditions:
ACADVL-related disorder. Also called: ACADVL-related condition.

Allele frequency attached by ClinVar (database versions not stated): gnomAD exomes below 0.00001.

Submissions (2):

Eurofins Ntd Llc (ga)
Classification: Uncertain significance. Last evaluated: 2013-06-28. Review status: criteria provided, single submitter. Criteria: EGL Classification Definitions 2015. Collection method: clinical testing. Allele origin: germline. Observed: 1 variant allele, 1 heterozygote.

PreventionGenetics, part of Exact Sciences
Classification: Uncertain significance for ACADVL-related condition. Last evaluated: 2024-09-26. Review status: no assertion criteria provided. Collection method: clinical testing. Allele origin: germline. Not counted in ClinVar's aggregate classification.
Comment: The ACADVL c.787G>A variant is predicted to result in the amino acid substitution p.Ala263Thr. To our knowledge, this variant has not been reported in the literature or in a large population database, indicating this variant is rare. At this time, the clinical significance of this variant is uncertain due to the absence of conclusive functional and genetic evidence.

NM_000018.4(ACADVL):c.787G>A (p.Ala263Thr)

Gene: ACADVL (acyl-CoA dehydrogenase very long chain; plus strand). Cytogenetic location: 17p13.1.
Variant type: single nucleotide variant.
Coding change: c.787G>A on transcript NM_000018.4 (MANE Select); coding-DNA position 787, G replaced by A.
Protein change: p.Ala263Thr; replaces alanine 263 with threonine.
Molecular consequence: missense variant.
Genome position (GRCh38, 1-based): chr17:7,222,211, G>A. VCF-style: chr17-7222211-G-A. GRCh37 (hg19) VCF-style: chr17-7125530-G-A.
Other names: c.721G>A, p.Ala241Thr (NM_001033859.3); c.856G>A, p.Ala286Thr (NM_001270447.2); c.559G>A, p.Ala187Thr (NM_001270448.2); short protein forms A263T, A187T, A286T, A241T.
Identifiers: ClinVar variation 92291 (VCV000092291.7), dbSNP rs398123093, ClinGen allele CA220221.